The following is an entry in ClinVar:

ClinVar aggregate classification (germline): Likely pathogenic (1 of 4 stars; one submission).

Conditions:
Hereditary breast ovarian cancer syndrome. Also called: BRCA1- and BRCA2-Associated Hereditary Breast and Ovarian Cancer; Hereditary breast and ovarian cancer syndrome (HBOC); Breast and ovarian cancer; Hereditary breast and ovarian cancer syndrome; Hereditary breast and/or ovarian cancer syndrome; Hereditary breast and ovarian cancer. Identifiers: Orphanet 145, MedGen C0677776, MeSH D061325, MONDO:0003582. Disease mechanism: loss of function.

Submission:

Women's Health and Genetics/Laboratory Corporation of America, LabCorp
Classification: Likely pathogenic for Hereditary breast ovarian cancer syndrome. Last evaluated: 2023-05-10. Review status: criteria provided, single submitter. Criteria: LabCorp Variant Classification Summary - May 2015. Collection method: clinical testing. Allele origin: germline.
Comment: Variant summary: The variant identified by MLPA or other technology involves the duplication of exon 12 in the PALB2 gene. A presumed nomenclature of c.(3201+1_3202-1)_(3350+1_3351-1)dup has been designated for the purposes of this classification. It has been assumed that this is a tandem duplication in direct orientation (Richardson_GIM_2018, Newman_AJHG_2015). Although exact breakpoints of this duplication are not known, it is expected to result in a frameshift in the PALB2 gene. The variant was absent in 21694 control chromosomes (gnomAD, Structural Variants dataset). The available data on variant occurrences in the general population are insufficient to allow any conclusion about variant significance. To our knowledge, no occurrence of c.(3201+1_3202-1)_(3350+1_3351-1)dup in individuals affected with Hereditary Breast And Ovarian Cancer Syndrome and no experimental evidence demonstrating its impact on protein function have been reported. One clinical diagnostic laboratory has submitted clinical-significance assessments for this variant to ClinVar after 2014 and classified the variant as likely pathogenic. Based on the evidence outlined above, the variant was classified as likely pathogenic.

NC_000016.9:g.(23614991_23619184)_(23619334_23625324)dup

Gene: PALB2 (partner and localizer of BRCA2; minus strand). Cytogenetic location: 16p12.2.
Variant type: Duplication.
Identifiers: ClinVar variation 2506055 (VCV002506055.1).